The following is an entry in ClinVar:

ClinVar aggregate classification (germline): Uncertain significance (1 of 4 stars; one submission).

gnomAD v4.1: 7 of 1,614,158 alleles (0.00043%); highest among the groups gnomAD compares: Non-Finnish European, 0.00059%; no homozygotes.

Submission:

Labcorp Genetics (formerly Invitae), Labcorp
Classification: Uncertain significance. Last evaluated: 2024-10-02. Review status: criteria provided, single submitter. Criteria: Invitae Variant Classification Sherloc (09022015). Collection method: clinical testing. Allele origin: germline.
Comment: This sequence change replaces lysine, which is basic and polar, with glutamine, which is neutral and polar, at codon 234 of the SRP54 protein (p.Lys234Gln). This variant is not present in population databases (gnomAD no frequency). This variant has not been reported in the literature in individuals affected with SRP54-related conditions. Invitae Evidence Modeling of protein sequence and biophysical properties (such as structural, functional, and spatial information, amino acid conservation, physicochemical variation, residue mobility, and thermodynamic stability) indicates that this missense variant is not expected to disrupt SRP54 protein function with a negative predictive value of 80%. In summary, the available evidence is currently insufficient to determine the role of this variant in disease. Therefore, it has been classified as a Variant of Uncertain Significance.

NM_003136.4(SRP54):c.700A>C (p.Lys234Gln)

Gene: SRP54 (signal recognition particle 54; plus strand). Cytogenetic location: 14q13.2.
Variant type: single nucleotide variant.
Coding change: c.700A>C on transcript NM_003136.4 (MANE Select); coding-DNA position 700, A replaced by C.
Protein change: p.Lys234Gln; replaces lysine 234 with glutamine.
Molecular consequence: missense variant.
Genome position (GRCh38, 1-based): chr14:35,013,409, A>C. VCF-style: chr14-35013409-A-C. GRCh37 (hg19) VCF-style: chr14-35482615-A-C.
Other names: c.553A>C, p.Lys185Gln (NM_001146282.2); c.700A>C, p.Lys234Gln (NM_001411017.1); short protein forms K185Q, K234Q.
Identifiers: ClinVar variation 3693956 (VCV003693956.2).